The following is an entry in ClinVar:

NM_001352754.2(ARMC9):c.1441G>T (p.Ala481Ser)

Gene: ARMC9 (armadillo repeat containing 9; plus strand). Cytogenetic location: 2q37.1.
Variant type: single nucleotide variant.
Coding change: c.1441G>T on transcript NM_001352754.2 (MANE Select); coding-DNA position 1441, G replaced by T.
Protein change: p.Ala481Ser; replaces alanine 481 with serine.
Molecular consequence: missense variant. On other transcripts: non-coding transcript variant (1).
Genome position (GRCh38, 1-based): chr2:231,276,742, G>T. VCF-style: chr2-231276742-G-T. GRCh37 (hg19) VCF-style: chr2-232141455-G-T.
Other names: c.1441G>T, p.Ala481Ser (NM_001271466.4, NM_001291656.2, NM_001352755.2 and 3 more transcripts); c.1342G>T, p.Ala448Ser (NM_001352757.2, NM_001352758.2); short protein forms A448S, A481S.
Identifiers: ClinVar variation 1430807 (VCV001430807.6), dbSNP rs2039794685, ClinGen allele CA350955845.

ClinVar aggregate classification (germline): Uncertain significance (1 of 4 stars; one submission).

Submission:

Labcorp Genetics (formerly Invitae), Labcorp
Classification: Uncertain significance. Last evaluated: 2021-06-17. Review status: criteria provided, single submitter. Criteria: Invitae Variant Classification Sherloc (09022015). Collection method: clinical testing. Allele origin: germline.
Comment: This sequence change replaces alanine with serine at codon 481 of the ARMC9 protein (p.Ala481Ser). The alanine residue is highly conserved and there is a moderate physicochemical difference between alanine and serine. This variant is not present in population databases (ExAC no frequency). This variant has not been reported in the literature in individuals with ARMC9-related conditions. Experimental studies and prediction algorithms are not available or were not evaluated, and the functional significance of this variant is currently unknown. In summary, the available evidence is currently insufficient to determine the role of this variant in disease. Therefore, it has been classified as a Variant of Uncertain Significance.